The following is an entry in ClinVar:

NM_004211.5(SLC6A5):c.391G>A (p.Asp131Asn)

Gene: SLC6A5 (solute carrier family 6 member 5; plus strand). Cytogenetic location: 11p15.1.
Variant type: single nucleotide variant.
Coding change: c.391G>A on transcript NM_004211.5 (MANE Select); coding-DNA position 391, G replaced by A.
Protein change: p.Asp131Asn; replaces aspartic acid 131 with asparagine.
Molecular consequence: missense variant. On other transcripts: 5 prime UTR variant (1).
Genome position (GRCh38, 1-based): chr11:20,601,516, G>A. VCF-style: chr11-20601516-G-A. GRCh37 (hg19) VCF-style: chr11-20623062-G-A.
Other names: c.-173G>A (NM_001318369.2); short protein forms D131N.
Identifiers: ClinVar variation 1411339 (VCV001411339.7), dbSNP rs1852478074, ClinGen allele CA379912102.

ClinVar aggregate classification (germline): Uncertain significance (1 of 4 stars; one submission).

Conditions:
Hyperekplexia 3 (HKPX3). Also called: HYPEREKPLEXIA 3, AUTOSOMAL RECESSIVE; HYPEREKPLEXIA 3, AUTOSOMAL DOMINANT. Identifiers: Orphanet 3197, MedGen C3553288, MONDO:0013827, OMIM 614618.

Allele frequency attached by ClinVar (database versions not stated): TOPMed below 0.00001.

Submission:

Labcorp Genetics (formerly Invitae), Labcorp
Classification: Uncertain significance for Hyperekplexia 3. Last evaluated: 2024-08-13. Review status: criteria provided, single submitter. Criteria: Invitae Variant Classification Sherloc (09022015). Collection method: clinical testing. Allele origin: germline.
Comment: This sequence change replaces aspartic acid, which is acidic and polar, with asparagine, which is neutral and polar, at codon 131 of the SLC6A5 protein (p.Asp131Asn). This variant is not present in population databases (gnomAD no frequency). This variant has not been reported in the literature in individuals affected with SLC6A5-related conditions. ClinVar contains an entry for this variant (Variation ID: 1411339). Advanced modeling of protein sequence and biophysical properties (such as structural, functional, and spatial information, amino acid conservation, physicochemical variation, residue mobility, and thermodynamic stability) performed at Invitae indicates that this missense variant is not expected to disrupt SLC6A5 protein function with a negative predictive value of 95%. In summary, the available evidence is currently insufficient to determine the role of this variant in disease. Therefore, it has been classified as a Variant of Uncertain Significance.